The following is an entry in ClinVar:

ClinVar aggregate classification (germline): Likely benign. Review status: criteria provided, multiple submitters, no conflicts (2 of 4 stars). 2 submissions from 2 submitters: Likely benign (2). Last evaluated 2023-07-16.

Allele frequency attached by ClinVar (database versions not stated): gnomAD exomes 0.00001; TOPMed 0.00002; ESP Exome Variant Server 0.00009.

Submissions (2):

Labcorp Genetics (formerly Invitae), Labcorp
Classification: Likely benign. Last evaluated: 2023-07-16. Review status: criteria provided, single submitter. Criteria: Invitae Variant Classification Sherloc (09022015). Collection method: clinical testing. Allele origin: germline.

CeGaT Center for Human Genetics Tuebingen
Classification: Likely benign. Last evaluated: 2022-03-01. Review status: criteria provided, single submitter. Criteria: CeGaT Center For Human Genetics Tuebingen Variant Classification Criteria Version 2. Collection method: clinical testing. Allele origin: germline. Affected: yes. Observed: 1 variant allele.
Comment: COL4A5: BP4

NM_033380.3(COL4A5):c.4216+7A>G

Gene: COL4A5 (collagen type IV alpha 5 chain; plus strand). Cytogenetic location: Xq22.3.
Variant type: single nucleotide variant.
Coding change: c.4216+7A>G on transcript NM_033380.3 (MANE Select); 7 bases into the intron after coding-DNA position 4216, A replaced by G.
Molecular consequence: intron variant.
Genome position (GRCh38, 1-based): chrX:108,681,895, A>G. VCF-style: chrX-108681895-A-G. GRCh37 (hg19) VCF-style: chrX-107925125-A-G.
Other names: c.4198+7A>G (NM_000495.5).
Identifiers: ClinVar variation 1103440 (VCV001103440.32), dbSNP rs376840709, ClinGen allele CA334055437.